The following is an entry in ClinVar:

NM_000143.4(FH):c.429T>C (p.Thr143=)

Gene: FH (fumarate hydratase; minus strand). Cytogenetic location: 1q43.
Variant type: single nucleotide variant.
Coding change: c.429T>C on transcript NM_000143.4 (MANE Select); coding-DNA position 429, T replaced by C.
Protein change: p.Thr143=; no amino-acid change (threonine 143 retained).
Molecular consequence: synonymous variant.
Genome position (GRCh38, 1-based): chr1:241,512,093, A>G on the plus strand (T>C on the coding strand, the complement: FH is on the minus strand). VCF-style: chr1-241512093-A-G. GRCh37 (hg19) VCF-style: chr1-241675393-A-G.
Identifiers: ClinVar variation 1739514 (VCV001739514.5), dbSNP rs1660100764, ClinGen allele CA424076325.
Genomic context (GRCh38, chr1:241,512,093, plus strand): 5'-TTCAATTGCTCTATTGCTAATGACTTCATTTACATTCATATTTGTCTGAGTTCCTGATCC[A>G]GTCTGCCATACCACGAGAGGAAAATGATCATTTAATTTACCTTCAGCTACCTGCAGAAAA-3'
Protein context (NP_000134.2, residues 133-153): NDHFPLVVWQ[Thr143=]GSGTQTNMNV

ClinVar aggregate classification (germline): Benign/Likely benign. Review status: criteria provided, multiple submitters, no conflicts (2 of 4 stars). 3 submissions from 3 submitters: Benign (1); Likely benign (2). Last evaluated 2024-10-18.

Conditions:
Hereditary cancer-predisposing syndrome. Also called: Tumor predisposition; Neoplastic Syndromes, Hereditary; Hereditary Cancer Syndrome; Hereditary neoplastic syndrome. Identifiers: Orphanet 140162, MedGen C0027672, MeSH D009386, MONDO:0015356.
Hereditary leiomyomatosis and renal cell cancer. Also called: LEIOMYOMA, MULTIPLE CUTANEOUS; MULTIPLE CUTANEOUS AND UTERINE LEIOMYOMATA 1, WITH OR WITHOUT RENAL CELL CARCINOMA; FH tumor predisposition syndrome; Reed syndrome; Multiple cutaneous and uterine leiomyomatosis; Cutaneous leiomyomata with uterine leiomyomata. Identifiers: Orphanet 523, MedGen C1708350, MONDO:0007888, OMIM 150800, HP:0007437. Disease mechanism: loss of function.

Allele frequency attached by ClinVar (database versions not stated): TOPMed below 0.00001.

Submissions (3):

Myriad Genetics, Inc.
Classification: Benign for Hereditary leiomyomatosis and renal cell cancer. Last evaluated: 2024-10-18. Review status: criteria provided, single submitter. Criteria: Myriad Autosomal Dominant, Autosomal Recessive and X-Linked Classification Criteria (2023). Collection method: clinical testing. Allele origin: unknown.
Comment: This variant is considered benign. This variant is a silent/synonymous amino acid change and it is not expected to impact splicing.

Labcorp Genetics (formerly Invitae), Labcorp
Classification: Likely benign. Last evaluated: 2024-09-12. Review status: criteria provided, single submitter. Criteria: Invitae Variant Classification Sherloc (09022015). Collection method: clinical testing. Allele origin: germline.

Ambry Genetics
Classification: Likely benign for Hereditary cancer-predisposing syndrome. Last evaluated: 2021-10-17. Review status: criteria provided, single submitter. Criteria: Ambry Variant Classification Scheme 2023. Collection method: clinical testing. Allele origin: germline.